The following is an entry in ClinVar:

NM_001972.4(ELANE):c.284C>G (p.Thr95Ser)

Gene: ELANE (elastase, neutrophil expressed; plus strand). Cytogenetic location: 19p13.3.
Variant type: single nucleotide variant.
Coding change: c.284C>G on transcript NM_001972.4 (MANE Select); coding-DNA position 284, C replaced by G.
Protein change: p.Thr95Ser; replaces threonine 95 with serine.
Molecular consequence: missense variant.
Genome position (GRCh38, 1-based): chr19:853,321, C>G. VCF-style: chr19-853321-C-G. GRCh37 (hg19) VCF-style: chr19-853321-C-G.
Other names: short protein forms T95S.
Identifiers: ClinVar variation 1687192 (VCV001687192.1), dbSNP rs752760119, ClinGen allele CA402915994.

ClinVar aggregate classification (germline): Uncertain significance (1 of 4 stars; one submission).

Conditions:
Neutropenia, severe congenital, 1, autosomal dominant. Identifiers: MedGen C1859966, MONDO:0042490, OMIM 202700.

Submission:

3billion
Classification: Uncertain significance for Neutropenia, severe congenital, 1, autosomal dominant. Last evaluated: 2022-05-22. Review status: criteria provided, single submitter. Criteria: ACMG Guidelines, 2015. Collection method: clinical testing. Allele origin: germline. Affected: yes. Observed: 1 heterozygote.
Comment: The variant is not observed in the gnomAD v2.1.1 dataset. Missense changes are a common disease-causing mechanism. In silico tool predictions suggest damaging effect of the variant on gene or gene product (REVEL: 0.26; 3Cnet: 0.85). Therefore, this variant is classified as uncertain significanceaccording to the recommendation of ACMG/AMP guideline.